The following is an entry in ClinVar:

ClinVar aggregate classification (germline): Pathogenic (1 of 4 stars; one submission).

Conditions:
Cardiomyopathy (CMYO). Also called: Cardiomyopathies. Identifiers: Orphanet 167848, MedGen C0878544, MONDO:0004994, HP:0001638. Inheritance: Various modes of inheritance.

Submission:

Color Diagnostics, LLC DBA Color Health
Classification: Pathogenic for Cardiomyopathy. Last evaluated: 2020-11-09. Review status: criteria provided, single submitter. Criteria: ACMG Guidelines, 2015. Collection method: clinical testing. Allele origin: germline.
Comment: This variant inserts 2 nucleotides in exon 23 of the DSP gene, creating a frameshift and premature translation stop signal. This variant is expected to result in an absent or non-functional protein product. To our knowledge, this variant has not been reported in individuals affected with cardiovascular disorders in the literature. This variant has not been identified in the general population by the Genome Aggregation Database (gnomAD). Loss of DSP function is a known mechanism of disease. Based on the available evidence, this variant is classified as Pathogenic.

NM_004415.4(DSP):c.4574_4575dup (p.Asn1526Ter)

Gene: DSP (desmoplakin; plus strand). Cytogenetic location: 6p24.3.
Variant type: Duplication.
Coding change: c.4574_4575dup on transcript NM_004415.4 (MANE Select); coding-DNA positions 4574 to 4575, 2 bases duplicated (TA; older notation c.4574_4575dupTA).
Protein change: p.Asn1526Ter; replaces asparagine 1526 with a stop codon.
Molecular consequence: nonsense. On other transcripts: intron variant (2).
Genome position (GRCh38, 1-based): chr6:7,580,764-7,580,765, TA duplicated; duplicating any 2 consecutive bases within chr6:7,580,763-7,580,765 gives the same sequence; the c. name uses the placement nearest the transcript's 3' end. VCF-style (leftmost placement, unchanged base first): chr6-7580762-A-AAT. GRCh37 (hg19) VCF-style: chr6-7580995-A-AAT.
Other names: c.4050+524_4050+525dup (NM_001319034.2); c.3582+992_3582+993dup (NM_001008844.3); short protein forms N1526*.
Identifiers: ClinVar variation 1172114 (VCV001172114.2), dbSNP rs2113694437, ClinGen allele CA2499218559.